The following is an entry in ClinVar:

NM_000256.3(MYBPC3):c.3048C>T (p.Gly1016=)

Gene: MYBPC3 (myosin binding protein C3; minus strand). Cytogenetic location: 11p11.2.
Variant type: single nucleotide variant.
Coding change: c.3048C>T on transcript NM_000256.3 (MANE Select); coding-DNA position 3048, C replaced by T.
Protein change: p.Gly1016=; no amino-acid change (glycine 1016 retained).
Molecular consequence: synonymous variant.
Genome position (GRCh38, 1-based): chr11:47,333,699, G>A on the plus strand (C>T on the coding strand, the complement: MYBPC3 is on the minus strand). VCF-style: chr11-47333699-G-A. GRCh37 (hg19) VCF-style: chr11-47355250-G-A.
Identifiers: ClinVar variation 42678 (VCV000042678.15), dbSNP rs397515998, ClinGen allele CA013366.

ClinVar aggregate classification (germline): Likely benign. Review status: criteria provided, multiple submitters, no conflicts (2 of 4 stars). 3 submissions from 3 submitters: Likely benign (3). Last evaluated 2023-12-05.

Conditions:
Cardiomyopathy (CMYO). Also called: Cardiomyopathies. Identifiers: Orphanet 167848, MedGen C0878544, MONDO:0004994, HP:0001638. Inheritance: Various modes of inheritance.
Hypertrophic cardiomyopathy. Also called: HYPERTROPHIC MYOCARDIOPATHY. Identifiers: Orphanet 217569, MedGen C0007194, MeSH D002312, MONDO:0005045, HP:0001639.

Allele frequency attached by ClinVar (database versions not stated): gnomAD exomes 0.00001; TOPMed 0.00002; gnomAD 0.00001; ExAC 0.00002.
gnomAD v4.1: 6 of 1,610,170 alleles (0.00037%); highest among the groups gnomAD compares: Admixed American, 0.0017%; no homozygotes.

Submissions (3):

Color Diagnostics, LLC DBA Color Health
Classification: Likely benign for Cardiomyopathy. Last evaluated: 2023-12-05. Review status: criteria provided, single submitter. Criteria: ACMG Guidelines, 2015. Collection method: clinical testing. Allele origin: germline.

Labcorp Genetics (formerly Invitae), Labcorp
Classification: Likely benign for Hypertrophic cardiomyopathy. Last evaluated: 2022-10-24. Review status: criteria provided, single submitter. Criteria: Invitae Variant Classification Sherloc (09022015). Collection method: clinical testing. Allele origin: germline.

Laboratory for Molecular Medicine, Mass General Brigham Personalized Medicine
Classification: Likely benign. Last evaluated: 2010-12-28. Review status: criteria provided, single submitter. Criteria: LMM Criteria. Collection method: clinical testing. Allele origin: germline. Observed: 1 variant allele.
Comment: This variant is not expected to have clinical significance because it does not a lter an amino acid residue and is not located near a splice junction.